The following is an entry in ClinVar:

NM_014053.4(FLVCR1):c.1279A>G (p.Ile427Val)

Gene: FLVCR1 (FLVCR choline and heme transporter 1; plus strand). Cytogenetic location: 1q32.3.
Variant type: single nucleotide variant.
Coding change: c.1279A>G on transcript NM_014053.4 (MANE Select); coding-DNA position 1279, A replaced by G.
Protein change: p.Ile427Val; replaces isoleucine 427 with valine.
Molecular consequence: missense variant.
Genome position (GRCh38, 1-based): chr1:212,887,973, A>G. VCF-style: chr1-212887973-A-G. GRCh37 (hg19) VCF-style: chr1-213061315-A-G.
Other names: short protein forms I427V.
Identifiers: ClinVar variation 1393404 (VCV001393404.7), dbSNP rs755419588, ClinGen allele CA1386105.

ClinVar aggregate classification (germline): Uncertain significance (1 of 4 stars; one submission).

Allele frequency attached by ClinVar (database versions not stated): gnomAD 0.00001; gnomAD exomes 0.00001 and 0.00002; TOPMed 0.00001; ExAC 0.00002.
gnomAD v4.1: 11 of 1,598,946 alleles (0.00069%); highest among the groups gnomAD compares: Admixed American, 0.0017%; no homozygotes.

Submission:

Labcorp Genetics (formerly Invitae), Labcorp
Classification: Uncertain significance. Last evaluated: 2022-11-15. Review status: criteria provided, single submitter. Criteria: Invitae Variant Classification Sherloc (09022015). Collection method: clinical testing. Allele origin: germline.
Comment: This variant is present in population databases (rs755419588, gnomAD 0.004%). In summary, the available evidence is currently insufficient to determine the role of this variant in disease. Therefore, it has been classified as a Variant of Uncertain Significance. Algorithms developed to predict the effect of missense changes on protein structure and function output the following: SIFT: "Tolerated"; PolyPhen-2: "Benign"; Align-GVGD: "Class C0". The valine amino acid residue is found in multiple mammalian species, which suggests that this missense change does not adversely affect protein function. ClinVar contains an entry for this variant (Variation ID: 1393404). This variant has not been reported in the literature in individuals affected with FLVCR1-related conditions. This sequence change replaces isoleucine, which is neutral and non-polar, with valine, which is neutral and non-polar, at codon 427 of the FLVCR1 protein (p.Ile427Val).